The following is an entry in ClinVar:

ClinVar aggregate classification (germline): Uncertain significance (1 of 4 stars; one submission).

Conditions:
Hereditary cancer-predisposing syndrome. Also called: Neoplastic Syndromes, Hereditary; Hereditary Cancer Syndrome; Tumor predisposition; Hereditary neoplastic syndrome. Identifiers: Orphanet 140162, MedGen C0027672, MeSH D009386, MONDO:0015356.

Submission:

Ambry Genetics
Classification: Uncertain significance for Hereditary cancer-predisposing syndrome. Last evaluated: 2025-01-15. Review status: criteria provided, single submitter. Criteria: Ambry Variant Classification Scheme 2023. Collection method: clinical testing. Allele origin: germline.
Comment: The p.Q189H variant (also known as c.567G>C), located in coding exon 4 of the SUFU gene, results from a G to C substitution at nucleotide position 567. The glutamine at codon 189 is replaced by histidine, an amino acid with highly similar properties. This amino acid position is conserved. In addition, this alteration is predicted to be tolerated by in silico analysis. Based on the available evidence, the clinical significance of this variant remains unclear.

NM_016169.4(SUFU):c.567G>C (p.Gln189His)

Gene: SUFU (SUFU negative regulator of hedgehog signaling; plus strand). Cytogenetic location: 10q24.32.
Variant type: single nucleotide variant.
Coding change: c.567G>C on transcript NM_016169.4 (MANE Select); coding-DNA position 567, G replaced by C.
Protein change: p.Gln189His; replaces glutamine 189 with histidine.
Molecular consequence: missense variant.
Genome position (GRCh38, 1-based): chr10:102,592,694, G>C. VCF-style: chr10-102592694-G-C. GRCh37 (hg19) VCF-style: chr10-104352451-G-C.
Other names: c.567G>C, p.Gln189His (NM_001178133.2); short protein forms Q189H.
Identifiers: ClinVar variation 3802892 (VCV003802892.1).